The following is an entry in ClinVar:

ClinVar aggregate classification (germline): Conflicting classifications of pathogenicity. Review status: criteria provided, conflicting classifications (1 of 4 stars). 2 submissions from 2 submitters: Uncertain significance (1); Likely benign (1). Last evaluated 2026-06-01.

Conditions:
Cornelia de Lange syndrome 1 (CDLS1). Also called: Brachmann de Lange syndrome; NIPBL-Related Cornelia de Lange Syndrome; TYPUS DEGENERATIVUS AMSTELODAMENSIS. Identifiers: Orphanet 199, MedGen C4551851, MONDO:0007387, OMIM 122470.

gnomAD v4.1: 105 of 1,614,198 alleles (0.0065%); highest among the groups gnomAD compares: Non-Finnish European, 0.0084%; no homozygotes.

Submissions (2):

CeGaT Center for Human Genetics Tuebingen
Classification: Likely benign. Last evaluated: 2026-06-01. Review status: criteria provided, single submitter. Criteria: CeGaT Center For Human Genetics Tuebingen Variant Classification Criteria Version 2. Collection method: clinical testing. Allele origin: germline. Affected: yes. Observed: 1 variant allele.
Comment: NIPBL: PP2, PP3, BS2

Labcorp Genetics (formerly Invitae), Labcorp
Classification: Uncertain significance for Cornelia de Lange syndrome 1. Last evaluated: 2025-04-28. Review status: criteria provided, single submitter. Criteria: Invitae Variant Classification Sherloc (09022015). Collection method: clinical testing. Allele origin: germline.
Comment: This sequence change replaces aspartic acid, which is acidic and polar, with asparagine, which is neutral and polar, at codon 2755 of the NIPBL protein (p.Asp2755Asn). This variant is present in population databases (rs748290328, gnomAD 0.009%). This variant has not been reported in the literature in individuals affected with NIPBL-related conditions. ClinVar contains an entry for this variant (Variation ID: 3668627). Invitae Evidence Modeling of protein sequence and biophysical properties (such as structural, functional, and spatial information, amino acid conservation, physicochemical variation, residue mobility, and thermodynamic stability) indicates that this missense variant is expected to disrupt NIPBL protein function with a positive predictive value of 80%. In summary, the available evidence is currently insufficient to determine the role of this variant in disease. Therefore, it has been classified as a Variant of Uncertain Significance.

NM_133433.4(NIPBL):c.8263G>A (p.Asp2755Asn)

Gene: NIPBL (NIPBL cohesin loading factor; plus strand). Cytogenetic location: 5p13.2.
Variant type: single nucleotide variant.
Coding change: c.8263G>A on transcript NM_133433.4 (MANE Select); coding-DNA position 8263, G replaced by A.
Protein change: p.Asp2755Asn; replaces aspartic acid 2755 with asparagine.
Molecular consequence: missense variant. On other transcripts: 3 prime UTR variant (1).
Genome position (GRCh38, 1-based): chr5:37,064,740, G>A. VCF-style: chr5-37064740-G-A. GRCh37 (hg19) VCF-style: chr5-37064842-G-A.
Other names: c.*717G>A (NM_015384.5); short protein forms D2755N.
Identifiers: ClinVar variation 3668627 (VCV003668627.4).